The following is an entry in ClinVar:

ClinVar aggregate classification (germline): Likely benign. Review status: criteria provided, multiple submitters, no conflicts (2 of 4 stars). 4 submissions from 4 submitters: Likely benign (4). Last evaluated 2025-11-26.

Conditions:
Inborn genetic diseases. Identifiers: MedGen C0950123, MeSH D030342.
DHCR7-related disorder. Also called: DHCR7-related condition.
Smith-Lemli-Opitz syndrome (SLOS). Also called: LETHAL ACRODYSGENITAL SYNDROME; POLYDACTYLY, SEX REVERSAL, RENAL HYPOPLASIA, AND UNILOBAR LUNG; RSH SYNDROME; RUTLEDGE LETHAL MULTIPLE CONGENITAL ANOMALY SYNDROME; 7-Dehydrocholesterol reductase deficiency. Identifiers: Orphanet 818, MedGen C0175694, MONDO:0010035, OMIM 270400.

Allele frequency attached by ClinVar (database versions not stated): gnomAD exomes 0.00002 and 0.00003; TOPMed 0.00002; ExAC 0.00003; gnomAD 0.00004.
gnomAD v4.1: 34 of 1,608,230 alleles (0.0021%); highest among the groups gnomAD compares: Middle Eastern, 0.016%; no homozygotes.

Submissions (4):

Labcorp Genetics (formerly Invitae), Labcorp
Classification: Likely benign for Smith-Lemli-Opitz syndrome. Last evaluated: 2025-11-26. Review status: criteria provided, single submitter. Criteria: Invitae Variant Classification Sherloc (09022015). Collection method: clinical testing. Allele origin: germline.

PreventionGenetics, part of Exact Sciences
Classification: Likely benign for DHCR7-related condition. Last evaluated: 2025-03-17. Review status: criteria provided, single submitter. Criteria: ACMG Guidelines, 2015. Collection method: clinical testing. Allele origin: germline.
Comment: This variant is classified as likely benign based on ACMG/AMP sequence variant interpretation guidelines (Richards et al. 2015 PMID: 25741868, with internal and published modifications).

CeGaT Center for Human Genetics Tuebingen
Classification: Likely benign. Last evaluated: 2024-10-01. Review status: criteria provided, single submitter. Criteria: CeGaT Center For Human Genetics Tuebingen Variant Classification Criteria Version 2. Collection method: clinical testing. Allele origin: germline. Affected: yes. Observed: 1 variant allele.
Comment: DHCR7: BP4, BP7

Ambry Genetics
Classification: Likely benign for Inborn genetic diseases. Last evaluated: 2019-05-01. Review status: criteria provided, single submitter. Criteria: Ambry Variant Classification Scheme 2023. Collection method: clinical testing. Allele origin: germline.

NM_001360.3(DHCR7):c.147C>T (p.Phe49=)

Gene: DHCR7 (7-dehydrocholesterol reductase; minus strand). Cytogenetic location: 11q13.4.
Variant type: single nucleotide variant.
Coding change: c.147C>T on transcript NM_001360.3 (MANE Select); coding-DNA position 147, C replaced by T.
Protein change: p.Phe49=; no amino-acid change (phenylalanine 49 retained).
Molecular consequence: synonymous variant.
Genome position (GRCh38, 1-based): chr11:71,444,167, G>A on the plus strand (C>T on the coding strand, the complement: DHCR7 is on the minus strand). VCF-style: chr11-71444167-G-A. GRCh37 (hg19) VCF-style: chr11-71155213-G-A.
Other names: c.147C>T, p.Phe49= (NM_001163817.2).
Identifiers: ClinVar variation 783188 (VCV000783188.27), dbSNP rs771419549, ClinGen allele CA6162679.